The following is an entry in ClinVar:

NM_181507.2(HPS5):c.2537C>T (p.Pro846Leu)

Gene: HPS5 (HPS5 biogenesis of lysosomal organelles complex 2 subunit 2; minus strand). Cytogenetic location: 11p15.1.
Variant type: single nucleotide variant.
Coding change: c.2537C>T on transcript NM_181507.2 (MANE Select); coding-DNA position 2537, C replaced by T.
Protein change: p.Pro846Leu; replaces proline 846 with leucine.
Molecular consequence: missense variant.
Genome position (GRCh38, 1-based): chr11:18,287,917, G>A on the plus strand (C>T on the coding strand, the complement: HPS5 is on the minus strand). VCF-style: chr11-18287917-G-A. GRCh37 (hg19) VCF-style: chr11-18309464-G-A.
Other names: c.2195C>T, p.Pro732Leu (NM_007216.4, NM_181508.2); short protein forms P846L, P732L.
Identifiers: ClinVar variation 303874 (VCV000303874.21), dbSNP rs144875223, ClinGen allele CA5909833.

ClinVar aggregate classification (germline): Benign/Likely benign. Review status: criteria provided, multiple submitters, no conflicts (2 of 4 stars). 6 submissions from 6 submitters: Benign (4); Likely benign (2). Last evaluated 2026-02-02.

Conditions:
Hermansky-Pudlak syndrome 5 (HPS5). Identifiers: Orphanet 231512, Orphanet 79430, MedGen C3888004, MONDO:0013557, OMIM 614074.

Allele frequency attached by ClinVar (database versions not stated): ESP Exome Variant Server 0.00015; gnomAD 0.00297 and 0.00306; ExAC 0.00335; gnomAD exomes 0.00478; 1000 Genomes Project 0.00619; TOPMed 0.00637; 1000 Genomes Project 30x 0.00656.
gnomAD v4.1: 2,216 of 1,613,920 alleles (0.14%); highest among the groups gnomAD compares: Admixed American, 3.2%; 43 homozygotes.

Submissions (6):

Labcorp Genetics (formerly Invitae), Labcorp
Classification: Benign. Last evaluated: 2026-02-02. Review status: criteria provided, single submitter. Criteria: Invitae Variant Classification Sherloc (09022015). Collection method: clinical testing. Allele origin: germline.

Mayo Clinic Laboratories, Mayo Clinic
Classification: Likely benign. Last evaluated: 2023-10-20. Review status: criteria provided, single submitter. Criteria: ACMG Guidelines, 2015. Collection method: clinical testing. Allele origin: germline. Observed: 7 variant alleles.
Comment: BS1, BS2_moderate, PM1

GeneDx
Classification: Likely benign. Last evaluated: 2020-06-12. Review status: criteria provided, single submitter. Criteria: GeneDx Variant Classification Process June 2021. Collection method: clinical testing. Allele origin: germline. Affected: yes.
Comment: See Variant Classification Assertion Criteria.

Illumina Laboratory Services, Illumina
Classification: Benign for Hermansky-Pudlak syndrome 5. Last evaluated: 2018-01-13. Review status: criteria provided, single submitter. Criteria: ICSL Variant Classification Criteria 13 December 2019. Collection method: clinical testing. Allele origin: germline.
Comment: This variant was observed in the ICSL laboratory as part of a predisposition screen in an ostensibly healthy population. It had not been previously curated by ICSL or reported in the Human Gene Mutation Database (HGMD: prior to June 1st, 2018), and was therefore a candidate for classification through an automated scoring system. Utilizing variant allele frequency, disease prevalence and penetrance estimates, and inheritance mode, an automated score was calculated to assess if this variant is too frequent to cause the disease. Based on the score and internal cut-off values, a variant classified as benign is not then subjected to further curation. The score for this variant resulted in a classification of benign for this disease.

Laboratory for Molecular Medicine, Mass General Brigham Personalized Medicine
Classification: Benign. Last evaluated: 2013-02-21. Review status: criteria provided, single submitter. Criteria: LMM Criteria. Collection method: clinical testing. Allele origin: germline. Observed: 1 variant allele.
Comment: Pro846Leu in exon 17 of HPS5: This variant is not expected to have clinical sign ificance because it has been identified in 5.5% (6/110) of Puerto Rican chromoso mes from a broad population by the 1000 Genomes Project (.gov/projects/SNP; dbSNP rs144875223).

Breakthrough Genomics
Classification: Benign. Review status: criteria provided, single submitter. Criteria: ACMG Guidelines, 2015. Collection method: not provided. Allele origin: germline. Inheritance: Autosomal recessive inheritance. Affected: yes.

Literature cited by the submitters: PubMed 31898847 (cited by Mayo Clinic Laboratories, Mayo Clinic).